The following is an entry in ClinVar:

ClinVar aggregate classification (germline): Conflicting classifications of pathogenicity. Review status: criteria provided, conflicting classifications (1 of 4 stars). 2 submissions from 2 submitters: Uncertain significance (1); Likely benign (1). Last evaluated 2025-08-24.

Submissions (2):

Labcorp Genetics (formerly Invitae), Labcorp
Classification: Uncertain significance. Last evaluated: 2025-08-24. Review status: criteria provided, single submitter. Criteria: Invitae Variant Classification Sherloc (09022015). Collection method: clinical testing. Allele origin: germline.
Comment: This variant, c.5001_5009del, results in the deletion of 3 amino acid(s) of the VCAN protein (p.Ile1669_Leu1671del), but otherwise preserves the integrity of the reading frame. This variant is present in population databases (rs777491694, gnomAD 0.05%), and has an allele count higher than expected for a pathogenic variant. This variant has not been reported in the literature in individuals affected with VCAN-related conditions. ClinVar contains an entry for this variant (Variation ID: 934765). Experimental studies and prediction algorithms are not available or were not evaluated, and the functional significance of this variant is currently unknown. In summary, the available evidence is currently insufficient to determine the role of this variant in disease. Therefore, it has been classified as a Variant of Uncertain Significance.

Blueprint Genetics
Classification: Likely benign. Last evaluated: 2024-04-23. Review status: criteria provided, single submitter. Criteria: ACMG Guidelines, 2015. Collection method: clinical testing. Allele origin: germline.

NM_004385.5(VCAN):c.5001_5009del (p.Ile1669_Leu1671del)

Genes: VCAN (versican; plus strand), VCAN-AS1 (VCAN antisense RNA 1; minus strand). Cytogenetic location: 5q14.3.
Variant type: Deletion.
Coding change: c.5001_5009del on transcript NM_004385.5 (MANE Select); coding-DNA positions 5001 to 5009, 9 bases deleted (ACTCATTAC; older notation c.5001_5009delACTCATTAC).
Protein change: p.Ile1669_Leu1671del.
Molecular consequence: inframe deletion. On other transcripts: intron variant (2).
Genome position (GRCh38, 1-based): chr5:83,538,004-83,538,012, ACTCATTAC deleted; deleting any 9 consecutive bases within chr5:83,538,001-83,538,012 gives the same sequence; the c. name uses the placement nearest the transcript's 3' end. VCF-style (leftmost placement, unchanged base first): chr5-83538000-ATACACTCAT-A. GRCh37 (hg19) VCF-style: chr5-82833819-ATACACTCAT-A.
Other names: c.2040_2048del, p.Ile682_Leu684del (NM_001164097.2); c.4004-7533_4004-7525del (NM_001164098.2); c.1043-7533_1043-7525del (NM_001126336.3).
Identifiers: ClinVar variation 934765 (VCV000934765.8), dbSNP rs777491694, ClinGen allele CA3333266.
Genomic context (GRCh38, chr5:83,538,000, plus strand): 5'-AAGAAGATGAAGATACAATGTTCACCATGGTAACTGATTTATCACAGAGAAATACTACTG[ATACACTCAT>A]TACTTTAGACACTAGCAGGATAATCACAGAAAGCTTTTTTGAGGTTCCTGCAACCACCAT-3'